The following is an entry in ClinVar:

ClinVar aggregate classification (germline): Likely benign. Review status: criteria provided, multiple submitters, no conflicts (2 of 4 stars). 7 submissions from 7 submitters: Likely benign (7). Last evaluated 2025-12-06.

Conditions:
Ehlers-Danlos syndrome, type 4 (EDSVASC). Also called: Ehlers-Danlos Syndrome Type IV; Ehlers-Danlos syndrome vascular type; Ehlers Danlos syndrome, ecchymotic type; Ehlers Danlos syndrome, arterial type; Ehlers Danlos syndrome, Sack-Barabas type. Identifiers: Orphanet 286, MedGen C0268338, MONDO:0017314, OMIM 130050.
Familial thoracic aortic aneurysm and aortic dissection (TAAD). Also called: Thoracic aortic aneurysms and dissections. Identifiers: Orphanet 91387, MedGen C4707243, MONDO:0019625.

Allele frequency attached by ClinVar (database versions not stated): gnomAD 0.00001 and 0.00002; TOPMed 0.00002; ExAC 0.00003; gnomAD exomes 0.00003; ESP Exome Variant Server 0.00008.
gnomAD v4.1: 47 of 1,613,092 alleles (0.0029%); highest among the groups gnomAD compares: East Asian, 0.016%; no homozygotes.

Submissions (7):

Labcorp Genetics (formerly Invitae), Labcorp
Classification: Likely benign for Ehlers-Danlos syndrome, type 4. Last evaluated: 2025-12-06. Review status: criteria provided, single submitter. Criteria: Invitae Variant Classification Sherloc (09022015). Collection method: clinical testing. Allele origin: germline.

Women's Health and Genetics/Laboratory Corporation of America, LabCorp
Classification: Likely benign. Last evaluated: 2024-08-11. Review status: criteria provided, single submitter. Criteria: LabCorp Variant Classification Summary - May 2015. Collection method: clinical testing. Allele origin: germline.

Blueprint Genetics
Classification: Likely benign. Last evaluated: 2024-05-03. Review status: criteria provided, single submitter. Criteria: ACMG Guidelines, 2015. Collection method: clinical testing. Allele origin: germline.

All of Us Research Program, National Institutes of Health
Classification: Likely benign for Ehlers-Danlos syndrome, type 4. Last evaluated: 2024-02-05. Review status: criteria provided, single submitter. Criteria: ACMG Guidelines, 2015. Collection method: clinical testing. Allele origin: germline. Inheritance: Autosomal dominant inheritance. Observed: 8 variant alleles, 8 heterozygotes.
Comment: This study involves interpretation of variants in research participants for the purpose of population health screening. Participant phenotype was not available at the time of variant classification. Additional details can be found in publication PMID: 35346344, PMCID: PMC8962531

Color Diagnostics, LLC DBA Color Health
Classification: Likely benign for Familial thoracic aortic aneurysm and aortic dissection. Last evaluated: 2019-09-30. Review status: criteria provided, single submitter. Criteria: ACMG Guidelines, 2015. Collection method: clinical testing. Allele origin: germline.

GeneDx
Classification: Likely benign. Last evaluated: 2019-01-09. Review status: criteria provided, single submitter. Criteria: GeneDx Variant Classification Process June 2021. Collection method: clinical testing. Allele origin: germline. Affected: yes.

Ambry Genetics
Classification: Likely benign for Familial thoracic aortic aneurysm and aortic dissection. Last evaluated: 2017-12-12. Review status: criteria provided, single submitter. Criteria: Ambry Variant Classification Scheme 2023. Collection method: clinical testing. Allele origin: germline.

NM_000090.4(COL3A1):c.204C>T (p.Asp68=)

Gene: COL3A1 (collagen type III alpha 1 chain; plus strand). Cytogenetic location: 2q32.2.
Variant type: single nucleotide variant.
Coding change: c.204C>T on transcript NM_000090.4 (MANE Select); coding-DNA position 204, C replaced by T.
Protein change: p.Asp68=; no amino-acid change (aspartic acid 68 retained).
Molecular consequence: synonymous variant.
Genome position (GRCh38, 1-based): chr2:188,984,884, C>T. VCF-style: chr2-188984884-C-T. GRCh37 (hg19) VCF-style: chr2-189849610-C-T.
Identifiers: ClinVar variation 412902 (VCV000412902.23), dbSNP rs368299739, ClinGen allele CA074961.